The following is an entry in ClinVar:

NM_017807.4(OSGEP):c.163G>C (p.Asp55His)

Genes: OSGEP (O-sialoglycoprotein endopeptidase; minus strand), LOC107372315 (OSGEP/APEX1 bi-directional promoter region; plus strand). Cytogenetic location: 14q11.2.
Variant type: single nucleotide variant.
Coding change: c.163G>C on transcript NM_017807.4 (MANE Select); coding-DNA position 163, G replaced by C.
Protein change: p.Asp55His; replaces aspartic acid 55 with histidine.
Molecular consequence: missense variant.
Genome position (GRCh38, 1-based): chr14:20,452,401, C>G on the plus strand (G>C on the coding strand, the complement: OSGEP is on the minus strand). VCF-style: chr14-20452401-C-G. GRCh37 (hg19) VCF-style: chr14-20920560-C-G.
Other names: c.163G>C (NM_017807.3); short protein forms D55H.
Identifiers: ClinVar variation 1470811 (VCV001470811.6), dbSNP rs1384682440, ClinGen allele CA389125436.

ClinVar aggregate classification (germline): Uncertain significance. Review status: criteria provided, multiple submitters, no conflicts (2 of 4 stars). 2 submissions from 2 submitters: Uncertain significance (2). Last evaluated 2025-07-12.

Conditions:
Inborn genetic diseases. Identifiers: MedGen C0950123, MeSH D030342.

Allele frequency attached by ClinVar (database versions not stated): TOPMed below 0.00001; gnomAD 0.00001; gnomAD exomes 0.00001.
gnomAD v4.1: 7 of 1,613,718 alleles (0.00043%); highest among the groups gnomAD compares: Admixed American, 0.012%; no homozygotes.

Submissions (2):

Ambry Genetics
Classification: Uncertain significance for Inborn genetic diseases. Last evaluated: 2025-07-12. Review status: criteria provided, single submitter. Criteria: Ambry Variant Classification Scheme 2023. Collection method: clinical testing. Allele origin: germline.

Labcorp Genetics (formerly Invitae), Labcorp
Classification: Uncertain significance. Last evaluated: 2024-02-24. Review status: criteria provided, single submitter. Criteria: Invitae Variant Classification Sherloc (09022015). Collection method: clinical testing. Allele origin: germline.
Comment: This sequence change replaces aspartic acid, which is acidic and polar, with histidine, which is basic and polar, at codon 55 of the OSGEP protein (p.Asp55His). This variant is present in population databases (no rsID available, gnomAD 0.006%). This variant has not been reported in the literature in individuals affected with OSGEP-related conditions. ClinVar contains an entry for this variant (Variation ID: 1470811). Advanced modeling of protein sequence and biophysical properties (such as structural, functional, and spatial information, amino acid conservation, physicochemical variation, residue mobility, and thermodynamic stability) performed at Invitae indicates that this missense variant is not expected to disrupt OSGEP protein function with a negative predictive value of 80%. In summary, the available evidence is currently insufficient to determine the role of this variant in disease. Therefore, it has been classified as a Variant of Uncertain Significance.